The following is an entry in ClinVar:

ClinVar aggregate classification (germline): Benign/Likely benign. Review status: criteria provided, multiple submitters, no conflicts (2 of 4 stars). 4 submissions from 4 submitters: Benign (2); Likely benign (2). Last evaluated 2026-01-31.

Conditions:
Kennedy disease (SMAX1). Also called: SPINAL AND BULBAR MUSCULAR ATROPHY, X-LINKED 1; KENNEDY SPINAL AND BULBAR MUSCULAR ATROPHY; Spinal and Bulbar Muscular Atrophy. Identifiers: Orphanet 481, MedGen C1839259, MONDO:0010735, OMIM 313200.
Androgen resistance syndrome (AIS). Also called: Androgen insensitivity syndrome; DIHYDROTESTOSTERONE RECEPTOR DEFICIENCY; TESTICULAR FEMINIZATION SYNDROME; Androgen insensitivity, complete; Androgen insensitivity syndrome due to coactivator deficiency; Androgen insensitivity. Identifiers: Orphanet 754, Orphanet 99429, MedGen C0039585, MONDO:0019154, OMIM 300068. Disease mechanism: loss of function.

Submissions (4):

Labcorp Genetics (formerly Invitae), Labcorp
Classification: Benign for Kennedy disease; Androgen resistance syndrome. Last evaluated: 2026-01-31. Review status: criteria provided, single submitter. Criteria: Invitae Variant Classification Sherloc (09022015). Collection method: clinical testing. Allele origin: germline.

CeGaT Center for Human Genetics Tuebingen
Classification: Benign. Last evaluated: 2025-10-01. Review status: criteria provided, single submitter. Criteria: CeGaT Center For Human Genetics Tuebingen Variant Classification Criteria Version 2. Collection method: clinical testing. Allele origin: germline. Affected: yes. Observed: 10 variant alleles.
Comment: AR: BS1, BS2

Blueprint Genetics
Classification: Likely benign. Last evaluated: 2024-11-26. Review status: criteria provided, single submitter. Criteria: ACMG Guidelines, 2015. Collection method: clinical testing. Allele origin: germline.

GeneDx
Classification: Likely benign. Last evaluated: 2020-10-30. Review status: criteria provided, single submitter. Criteria: GeneDx Variant Classification Process June 2021. Collection method: clinical testing. Allele origin: germline. Affected: yes.

NM_000044.6(AR):c.171GCA[15] (p.Gln73_Gln80del)

Genes: AR (androgen receptor; plus strand), LOC109504725 (androgen receptor repeat instability region; plus strand). Cytogenetic location: Xq12.
Variant type: Microsatellite.
Coding change: c.171GCA[15] on transcript NM_000044.6 (MANE Select); 15 copies in a row of the 3-base unit GCA starting at c.171; the reference has 23 copies in a row; eight copies, 24 bases deleted; also written c.216_239del.
Protein change: p.Gln73_Gln80del.
Molecular consequence: inframe deletion. On other transcripts: 5 prime UTR variant (1).
Genome position (GRCh38, 1-based): chrX:67,545,362-67,545,385, GCAGCAGCAGCAGCAGCAGCAGCA deleted; deleting any 24 consecutive bases within chrX:67,545,317-67,545,385 gives the same sequence; the position shown is the placement nearest the transcript's 3' end. VCF-style (leftmost placement, unchanged base first): chrX-67545316-TGCAGCAGCAGCAGCAGCAGCAGCA-T. GRCh37 (hg19) VCF-style: chrX-66765158-TGCAGCAGCAGCAGCAGCAGCAGCA-T.
Other names: c.216_239del (NM_000044.3); c.-1613GCA[15] (NM_001011645.3); c.171GCA[15], p.Gln73_Gln80del (NM_001348061.1, NM_001348063.1, NM_001348064.1).
Identifiers: ClinVar variation 533380 (VCV000533380.32), dbSNP rs3032358, ClinGen allele CA658799771.